The following is an entry in ClinVar:

NM_003098.3(SNTA1):c.478A>G (p.Lys160Glu)

Genes: SNTA1 (syntrophin alpha 1; minus strand), LOC130065678 (ATAC-STARR-seq lymphoblastoid active region 17731; plus strand). Cytogenetic location: 20q11.21.
Variant type: single nucleotide variant.
Coding change: c.478A>G on transcript NM_003098.3 (MANE Select); coding-DNA position 478, A replaced by G.
Protein change: p.Lys160Glu; replaces lysine 160 with glutamic acid.
Molecular consequence: missense variant.
Genome position (GRCh38, 1-based): chr20:33,438,859, T>C on the plus strand (A>G on the coding strand, the complement: SNTA1 is on the minus strand). VCF-style: chr20-33438859-T-C. GRCh37 (hg19) VCF-style: chr20-32026665-T-C.
Other names: c.478A>G, p.Lys160Glu (NM_001424413.1, NM_001424414.1); short protein forms K160E.
Identifiers: ClinVar variation 4864917 (VCV004864917.1).
Genomic context (GRCh38, chr20:33,438,859, plus strand): 5'-CCTCCACCCAGCCCCTCTGAACCCTGGAACGTCAGTGCTTACCCTCCAGCACCACCTCCT[T>C]GCCTGTCTTCTTGAGGACCTGCACCGCCTCATCATGGGTAGCAGAGGACAAGTCTTCCCC-3'
Protein context (NP_003089.1, residues 150-170): EAVQVLKKTG[Lys160Glu]EVVLEVKYMK

ClinVar aggregate classification (germline): Uncertain significance (1 of 4 stars; one submission).

Conditions:
Cardiovascular phenotype. Identifiers: MedGen CN230736.

gnomAD v4.1: 2 of 1,613,850 alleles (0.00012%); highest among the groups gnomAD compares: African/African-American, 0.0027%; no homozygotes.

Submission:

Ambry Genetics
Classification: Uncertain significance for Cardiovascular phenotype. Last evaluated: 2026-05-20. Review status: criteria provided, single submitter. Criteria: Ambry Variant Classification Scheme 2023. Collection method: clinical testing. Allele origin: germline.
Comment: The p.K160E variant (also known as c.478A>G), located in coding exon 2 of the SNTA1 gene, results from an A to G substitution at nucleotide position 478. The lysine at codon 160 is replaced by glutamic acid, an amino acid with similar properties. This amino acid position is conserved. In addition, this alteration is predicted to be tolerated by in silico analysis. Based on the available evidence, the clinical significance of this variant remains unclear.